The following is an entry in ClinVar:

ClinVar aggregate classification (germline): Likely benign (1 of 4 stars; one submission).

Allele frequency attached by ClinVar (database versions not stated): ExAC 0.00015; 1000 Genomes Project 30x 0.00156.

Submission:

CeGaT Center for Human Genetics Tuebingen
Classification: Likely benign. Last evaluated: 2023-08-01. Review status: criteria provided, single submitter. Criteria: CeGaT Center For Human Genetics Tuebingen Variant Classification Criteria Version 2. Collection method: clinical testing. Allele origin: germline. Affected: yes. Observed: 1 variant allele.
Comment: FLG: BP4, BP7

NM_002016.2(FLG):c.10206G>C (p.Arg3402=)

Genes: CCDST (cervical cancer associated DHX9 suppressive transcript; plus strand), FLG (filaggrin; minus strand). Cytogenetic location: 1q21.3.
Variant type: single nucleotide variant.
Coding change: c.10206G>C on transcript NM_002016.2 (MANE Select); coding-DNA position 10206, G replaced by C.
Protein change: p.Arg3402=; no amino-acid change (arginine 3402 retained).
Molecular consequence: synonymous variant.
Genome position (GRCh38, 1-based): chr1:152,304,680, C>G on the plus strand (G>C on the coding strand, the complement: FLG is on the minus strand). VCF-style: chr1-152304680-C-G. GRCh37 (hg19) VCF-style: chr1-152277156-C-G.
Identifiers: ClinVar variation 2639236 (VCV002639236.24), dbSNP rs770361839, ClinGen allele CA1103476.